The following is an entry in ClinVar:

ClinVar aggregate classification (germline): Pathogenic/Likely pathogenic. Review status: criteria provided, multiple submitters, no conflicts (2 of 4 stars). 2 submissions from 2 submitters: Pathogenic (1); Likely pathogenic (1). Last evaluated 2024-08-19.

Conditions:
Hyperekplexia 3 (HKPX3). Also called: HYPEREKPLEXIA 3, AUTOSOMAL RECESSIVE; HYPEREKPLEXIA 3, AUTOSOMAL DOMINANT. Identifiers: Orphanet 3197, MedGen C3553288, MONDO:0013827, OMIM 614618.

gnomAD v4.1: 1 of 1,613,088 alleles (0.000062%); highest among the groups gnomAD compares: South Asian, 0.0011%; no homozygotes.

Submissions (2):

3billion
Classification: Pathogenic for Hyperekplexia 3. Last evaluated: 2024-08-19. Review status: criteria provided, single submitter. Criteria: ACMG Guidelines, 2015. Collection method: clinical testing. Allele origin: germline. Affected: yes.
Comment: The variant is observed at an extremely low frequency in the gnomAD v4.0.0 dataset (total allele frequency: <0.001%). Predicted Consequence/Location: Canonical splice site: predicted to alter splicing and result in a loss or disruption of normal protein function. Multiple pathogenic loss-of-function variants are reported downstream of the variant. In silico tools predict the variant to alter splicing and produce an abnormal transcript [SpliceAI: 0.93 (spliceogenicity >=0.2, non-spliceogenicity <0.1)]. The variant has been reported to be associated with SLC6A5 related disorder (ClinVar ID: VCV000652178). Therefore, this variant is classified as Pathogenic according to the recommendation of ACMG/AMP guideline.

Labcorp Genetics (formerly Invitae), Labcorp
Classification: Likely pathogenic for Hyperekplexia 3. Last evaluated: 2018-11-19. Review status: criteria provided, single submitter. Criteria: Invitae Variant Classification Sherloc (09022015). Collection method: clinical testing. Allele origin: germline.
Comment: This sequence change affects a donor splice site in intron 3 of the SLC6A5 gene. It is expected to disrupt RNA splicing and likely results in an absent or disrupted protein product. This variant is not present in population databases (ExAC no frequency). This variant has not been reported in the literature in individuals with SLC6A5-related disease. Algorithms developed to predict the effect of sequence changes on RNA splicing suggest that this variant may disrupt the consensus splice site, but this prediction has not been confirmed by published transcriptional studies. Donor and acceptor splice site variants typically lead to a loss of protein function (PMID: 16199547), and loss-of-function variants in SLC6A5 are known to be pathogenic (PMID: 14622583, 16751771, 22700964). In summary, the currently available evidence indicates that the variant is pathogenic, but additional data are needed to prove that conclusively. Therefore, this variant has been classified as Likely Pathogenic.

Literature cited by the submitters: PubMed 16199547 (cited by Labcorp Genetics (formerly Invitae), Labcorp); PubMed 14622583 (cited by Labcorp Genetics (formerly Invitae), Labcorp); PubMed 16751771 (cited by Labcorp Genetics (formerly Invitae), Labcorp); PubMed 22700964 (cited by Labcorp Genetics (formerly Invitae), Labcorp).

NM_004211.5(SLC6A5):c.679+1G>A

Gene: SLC6A5 (solute carrier family 6 member 5; plus strand). Cytogenetic location: 11p15.1.
Variant type: single nucleotide variant.
Coding change: c.679+1G>A on transcript NM_004211.5 (MANE Select); the canonical splice donor site of the intron after coding-DNA position 679, G replaced by A.
Molecular consequence: splice donor variant. On other transcripts: intron variant (1).
Genome position (GRCh38, 1-based): chr11:20,604,425, G>A. VCF-style: chr11-20604425-G-A. GRCh37 (hg19) VCF-style: chr11-20625971-G-A.
Other names: c.-23-2582G>A (NM_001318369.2).
Identifiers: ClinVar variation 652178 (VCV000652178.8), dbSNP rs1590154255, ClinGen allele CA379913092.